The following is an entry in ClinVar:

ClinVar aggregate classification (germline): Pathogenic (1 of 4 stars; one submission).

Conditions:
Zellweger spectrum disorders (ZS). Also called: Zellweger Spectrum Disorder (ZSD); Zellweger syndrome; Zellweger Spectrum Disorder; Zellweger Spectrum. Identifiers: Orphanet 912, MedGen C0043459, MONDO:0019609.

Submission:

Natera, Inc.
Classification: Pathogenic for Zellweger syndrome. Last evaluated: 2025-10-18. Review status: criteria provided, single submitter. Criteria: Natera Variant Classification Schema (03/2026). Collection method: clinical testing. Allele origin: germline.
Comment: The c.3378C>G variant in PEX1 is a nonsense variant predicted to introduce a stop codon at amino acid 1126. This variant is expected to result in nonsense mediated decay, truncation, or a dysfunctional protein product. This variant is rare in the general population with a frequency below the threshold expected for the associated phenotype(s). This variant has been observed in one or more individuals affected with the associated recessive disease, as either homozygous or compound heterozygous with a second variant (PMID: 12032265). Given the available evidence, this variant is classified as Pathogenic.

Literature cited by the submitters: PubMed 12032265.

NM_000466.3(PEX1):c.3378C>G (p.Tyr1126Ter)

Genes: PEX1 (peroxisomal biogenesis factor 1; minus strand), GATAD1 (GATA zinc finger domain containing 1; plus strand). Cytogenetic location: 7q21.2.
Variant type: single nucleotide variant.
Coding change: c.3378C>G on transcript NM_000466.3 (MANE Select); coding-DNA position 3378, C replaced by G.
Protein change: p.Tyr1126Ter; replaces tyrosine 1126 with a stop codon.
Molecular consequence: nonsense.
Genome position (GRCh38, 1-based): chr7:92,491,332, G>C on the plus strand (C>G on the coding strand, the complement: PEX1 is on the minus strand). VCF-style: chr7-92491332-G-C. GRCh37 (hg19) VCF-style: chr7-92120646-G-C.
Other names: c.3207C>G, p.Tyr1069Ter (NM_001282677.2); c.2754C>G, p.Tyr918Ter (NM_001282678.2); short protein forms Y1069*, Y1126*, Y918*.
Identifiers: ClinVar variation 4818403 (VCV004818403.1).
Genomic context (GRCh38, chr7:92,491,332, plus strand): 5'-CAAATCAGAAGAGGTTCCATTTCCAAGTTCTGATTCATAAGAGCTTCCAAAGTAGAGCCG[G>C]TACATATTGAATTTTGATTCATCTGGAAGGATCTCGGACATCTCTAAAGAAACAAGGGAC-3'